The following is an entry in ClinVar:

ClinVar aggregate classification (germline): Uncertain significance. Review status: criteria provided, multiple submitters, no conflicts (2 of 4 stars). 2 submissions from 2 submitters: Uncertain significance (2). Last evaluated 2026-03-23.

Conditions:
Pancreatic adenocarcinoma. Identifiers: MedGen C0281361, MONDO:0006047, HP:0006725.

Submissions (2):

Ambry Genetics
Classification: Uncertain significance. Last evaluated: 2026-03-23. Review status: criteria provided, single submitter. Criteria: Ambry Variant Classification Scheme 2023. Collection method: clinical testing. Allele origin: germline.
Comment: The c.267_268insTCCCCG variant (also known as p.P89_P90insSP), located in coding exon 1 of the PALLD gene, results from an in-frame TCCCCG insertion at nucleotide positions 267 to 268. This results in the insertion of a serine and proline residue between codons 89 and 90. This amino acid position is highly conserved in available vertebrate species. The evidence for this gene-disease relationship is limited; therefore, the clinical significance of this variant is unclear.

Labcorp Genetics (formerly Invitae), Labcorp
Classification: Uncertain significance for Pancreatic adenocarcinoma. Last evaluated: 2024-03-20. Review status: criteria provided, single submitter. Criteria: Invitae Variant Classification Sherloc (09022015). Collection method: clinical testing. Allele origin: germline.
Comment: This variant, c.267_268insTCCCCG, results in the insertion of 2 amino acid(s) of the PALLD protein (p.Pro89_Pro90insSerPro), but otherwise preserves the integrity of the reading frame. This variant is present in population databases (no rsID available, gnomAD 0.01%). This variant has not been reported in the literature in individuals affected with PALLD-related conditions. Experimental studies and prediction algorithms are not available or were not evaluated, and the functional significance of this variant is currently unknown. In summary, the available evidence is currently insufficient to determine the role of this variant in disease. Therefore, it has been classified as a Variant of Uncertain Significance.

NM_001166108.2(PALLD):c.1965-12764_1965-12763insTCCCCG

Gene: PALLD (palladin, cytoskeletal associated protein; plus strand). Cytogenetic location: 4q32.3.
Variant type: Microsatellite.
Coding change: c.1965-12764_1965-12763insTCCCCG on transcript NM_001166108.2 (MANE Select); 12764 bases into the intron before coding-DNA position 1965 through 12763 bases into the intron before coding-DNA position 1965, TCCCCG inserted.
Molecular consequence: intron variant. On other transcripts: inframe insertion (1).
Genome position: GRCh38 VCF-style: chr4-168878153-C-CCCCCGT. GRCh37 (hg19) VCF-style: chr4-169799304-C-CCCCCGT.
Other names: c.1965-12764_1965-12763insTCCCCG (NM_016081.4); c.819-12764_819-12763insTCCCCG (NM_001166109.2); c.-157-12764_-157-12763insTCCCCG (NM_001367570.1, NM_001367568.1, NM_001367567.1 and 1 more transcripts); c.267_268insTCCCCG, p.Pro89_Pro90insSerPro (NM_001166110.2); c.267_268insTCCCCG (NM_001166110.1).
Identifiers: ClinVar variation 1506292 (VCV001506292.10), dbSNP rs1201131054.
Genomic context (GRCh38, chr4:168,878,153, plus strand): 5'-CCCTTCGCGCAGCCCTTCGGCGCTGAGCCCGAGGCCCCGTGGGGCTCCTCCTCGCCGTCG[C>CCCCCGT]CCCCGCCCCCGCCACCCCCGGTCTTCAGCCCCACGGCTGCCTTCCCGGTGCCCGACGTGT-3'